The following is an entry in ClinVar:

ClinVar aggregate classification (germline): Uncertain significance. Review status: criteria provided, multiple submitters, no conflicts (2 of 4 stars). 2 submissions from 2 submitters: Uncertain significance (2). Last evaluated 2026-06-17.

Conditions:
UNC13A-related disorder. Also called: UNC13A-related condition.

gnomAD v4.1: 120 of 1,551,982 alleles (0.0077%); highest among the groups gnomAD compares: African/African-American, 0.012%; no homozygotes.

Submissions (2):

PreventionGenetics, part of Exact Sciences
Classification: Uncertain significance for UNC13A-related condition. Last evaluated: 2026-06-17. Review status: criteria provided, single submitter. Criteria: ACMG Guidelines, 2015. Collection method: clinical testing. Allele origin: germline.
Comment: The UNC13A c.3640G>A variant is predicted to result in the amino acid substitution p.Val1214Met. To our knowledge, this variant has not been reported in the literature. This variant is reported in 0.024% of alleles in individuals of African descent in gnomAD. At this time, the clinical significance of this variant is uncertain due to the absence of conclusive functional and genetic evidence.

Ambry Genetics
Classification: Uncertain significance. Last evaluated: 2025-08-28. Review status: criteria provided, single submitter. Criteria: Ambry Variant Classification Scheme 2023. Collection method: clinical testing. Allele origin: germline.

NM_001080421.3(UNC13A):c.3640G>A (p.Val1214Met)

Gene: UNC13A (unc-13 homolog A; minus strand). Cytogenetic location: 19p13.11.
Variant type: single nucleotide variant.
Coding change: c.3640G>A on transcript NM_001080421.3 (MANE Select); coding-DNA position 3640, G replaced by A.
Protein change: p.Val1214Met; replaces valine 1214 with methionine.
Molecular consequence: missense variant.
Genome position (GRCh38, 1-based): chr19:17,630,174, C>T on the plus strand (G>A on the coding strand, the complement: UNC13A is on the minus strand). VCF-style: chr19-17630174-C-T. GRCh37 (hg19) VCF-style: chr19-17740983-C-T.
Other names: c.3634G>A, p.Val1212Met (NM_001387021.1, NM_001387022.1, NM_001387023.1); short protein forms V1214M, V1212M.
Identifiers: ClinVar variation 4196053 (VCV004196053.2).